The following is an entry in ClinVar:

ClinVar aggregate classification (germline): Uncertain significance. Review status: criteria provided, multiple submitters, no conflicts (2 of 4 stars). 2 submissions from 2 submitters: Uncertain significance (2). Last evaluated 2025-02-17.

Conditions:
DOCK2 deficiency. Also called: Immunodeficiency 40. Identifiers: Orphanet 447737, MedGen C4225328, MONDO:0014637, OMIM 616433.

Allele frequency attached by ClinVar (database versions not stated): TOPMed 0.00001; gnomAD 0.00005; gnomAD exomes 0.00005; 1000 Genomes Project 30x 0.00016; 1000 Genomes Project 0.00020.
gnomAD v4.1: 88 of 1,614,104 alleles (0.0055%); highest among the groups gnomAD compares: Non-Finnish European, 0.0065%; no homozygotes.

Submissions (2):

Labcorp Genetics (formerly Invitae), Labcorp
Classification: Uncertain significance for DOCK2 deficiency. Last evaluated: 2025-02-17. Review status: criteria provided, single submitter. Criteria: Invitae Variant Classification Sherloc (09022015). Collection method: clinical testing. Allele origin: germline.
Comment: This sequence change replaces arginine, which is basic and polar, with cysteine, which is neutral and slightly polar, at codon 1364 of the DOCK2 protein (p.Arg1364Cys). This variant is present in population databases (rs536724336, gnomAD 0.005%). This variant has not been reported in the literature in individuals affected with DOCK2-related conditions. ClinVar contains an entry for this variant (Variation ID: 2177316). An algorithm developed to predict the effect of missense changes on protein structure and function (PolyPhen-2) suggests that this variant is likely to be disruptive. In summary, the available evidence is currently insufficient to determine the role of this variant in disease. Therefore, it has been classified as a Variant of Uncertain Significance.

Blueprint Genetics
Classification: Uncertain significance. Last evaluated: 2024-05-30. Review status: criteria provided, single submitter. Criteria: ACMG Guidelines, 2015. Collection method: clinical testing. Allele origin: germline.

NM_004946.3(DOCK2):c.4090C>T (p.Arg1364Cys)

Gene: DOCK2 (dedicator of cytokinesis 2; plus strand). Cytogenetic location: 5q35.1.
Variant type: single nucleotide variant.
Coding change: c.4090C>T on transcript NM_004946.3 (MANE Select); coding-DNA position 4090, C replaced by T.
Protein change: p.Arg1364Cys; replaces arginine 1364 with cysteine.
Molecular consequence: missense variant. On other transcripts: non-coding transcript variant (1).
Genome position (GRCh38, 1-based): chr5:170,050,274, C>T. VCF-style: chr5-170050274-C-T. GRCh37 (hg19) VCF-style: chr5-169477278-C-T.
Other names: short protein forms R1364C.
Identifiers: ClinVar variation 2177316 (VCV002177316.3), dbSNP rs536724336, ClinGen allele CA132004936.